The following is an entry in ClinVar:

ClinVar aggregate classification (germline): Pathogenic (1 of 4 stars; one submission).

Conditions:
Cohen syndrome (COH1). Also called: Cutis verticis gyrata, retinitis pigmentosa, and sensorineural deafness; PEPPER SYNDROME. Identifiers: Orphanet 193, MedGen C0265223, MONDO:0008999, OMIM 216550.

Submission:

Labcorp Genetics (formerly Invitae), Labcorp
Classification: Pathogenic for Cohen syndrome. Last evaluated: 2023-11-29. Review status: criteria provided, single submitter. Criteria: Invitae Variant Classification Sherloc (09022015). Collection method: clinical testing. Allele origin: unknown.
Comment: This variant results in a copy number gain of the genomic region encompassing exon(s) 4-13 of the VPS13B gene. While the exact position of this variant cannot be determined from the data, sub-genic copy number gains are generally in tandem (PMID: 25640679). This variant is predicted to be out-of-frame, and may result in an absent or disrupted protein product. Loss-of-function variants in VPS13B are known to be pathogenic (PMID: 15141358, 16648375, 20461111). A similar copy number variant has been observed in individual(s) with Cohen syndrome (PMID: 20461111). For these reasons, this variant has been classified as Pathogenic.

Literature cited by the submitters: PubMed 25640679; PubMed 15141358; PubMed 16648375; PubMed 20461111.

NC_000008.10:g.(?_100108520)_(100155413_?)dup

Gene: VPS13B (vacuolar protein sorting 13 homolog B; plus strand). Cytogenetic location: 8q22.2.
Variant type: Duplication.
Identifiers: ClinVar variation 3245474 (VCV003245474.1).